The following is an entry in ClinVar:

NM_152558.5(IQCE):c.1314C>T (p.Gly438=)

Gene: IQCE (IQ motif containing E; plus strand). Cytogenetic location: 7p22.3.
Variant type: single nucleotide variant.
Coding change: c.1314C>T on transcript NM_152558.5 (MANE Select); coding-DNA position 1314, C replaced by T.
Protein change: p.Gly438=; no amino-acid change (glycine 438 retained).
Molecular consequence: synonymous variant.
Genome position (GRCh38, 1-based): chr7:2,593,091, C>T. VCF-style: chr7-2593091-C-T. GRCh37 (hg19) VCF-style: chr7-2632725-C-T.
Other names: c.1314C>T, p.Gly438= (NM_001287499.2); c.1266C>T, p.Gly422= (NM_001287500.2, NM_001410865.1); c.1119C>T, p.Gly373= (NM_001287501.2, NM_001287502.2).
Identifiers: ClinVar variation 4084746 (VCV004084746.8).

ClinVar aggregate classification (germline): Likely benign (1 of 4 stars; one submission).

gnomAD v4.1: 23 of 1,612,022 alleles (0.0014%); highest among the groups gnomAD compares: Admixed American, 0.01%; no homozygotes.

Submission:

CeGaT Center for Human Genetics Tuebingen
Classification: Likely benign. Last evaluated: 2025-07-01. Review status: criteria provided, single submitter. Criteria: CeGaT Center For Human Genetics Tuebingen Variant Classification Criteria Version 2. Collection method: clinical testing. Allele origin: germline. Affected: yes. Observed: 1 variant allele.
Comment: IQCE: BP4, BP7